The following is an entry in ClinVar:

NM_031407.7(HUWE1):c.3080C>T (p.Pro1027Leu)

Gene: HUWE1 (HECT, UBA and WWE domain containing E3 ubiquitin protein ligase 1; minus strand). Cytogenetic location: Xp11.22.
Variant type: single nucleotide variant.
Coding change: c.3080C>T on transcript NM_031407.7 (MANE Select); coding-DNA position 3080, C replaced by T.
Protein change: p.Pro1027Leu; replaces proline 1027 with leucine.
Molecular consequence: missense variant.
Genome position (GRCh38, 1-based): chrX:53,600,201, G>A on the plus strand (C>T on the coding strand, the complement: HUWE1 is on the minus strand). VCF-style: chrX-53600201-G-A. GRCh37 (hg19) VCF-style: chrX-53627161-G-A.
Other names: (p.Pro1027Leu); short protein forms P1027L.
Identifiers: ClinVar variation 1707596 (VCV001707596.3), dbSNP rs2064746935, ClinGen allele CA413179907.
Genomic context (GRCh38, chrX:53,600,201, plus strand): 5'-TTAATTCTGGCAGCCATTGCTGGTGTGATTTTAGATTTGCCCTTAGAGTCTGAAGCAGTA[G>A]GTTCATCTGTCTCCATGGGAGCCAATGTGTCACCATCTAGCCCAATGCCTTCTAATAAGC-3'
Protein context (NP_113584.3, residues 1017-1037): DTLAPMETDE[Pro1027Leu]TASDSKGKSK

ClinVar aggregate classification (germline): Uncertain significance (1 of 4 stars; one submission).

Conditions:
Intellectual developmental disorder, X-linked, syndromic, Turner type. Also called: X-linked intellectual disability, Turner type; Intellectual disability, X-linked syndromic, Turner type. Identifiers: Orphanet 3056, Orphanet 85328, MedGen C2678046, MONDO:0010407, OMIM 309590.

Submission:

Foundation for Research in Genetics and Endocrinology, FRIGE's Institute of Human Genetics
Classification: Uncertain significance for Intellectual developmental disorder, X-linked, syndromic, Turner type. Last evaluated: 2022-03-25. Review status: criteria provided, single submitter. Criteria: ACMG Guidelines, 2015. Collection method: clinical testing. Allele origin: germline. Inheritance: X-linked inheritance. Affected: yes. Observed: 1 hemizygote.
Comment: A hemizygous missense variation in exon 28 of the HUWE1 gene that results in the amino acid substitution of Leucine for Prolin at codon 1027 was detected. The observed variant c.3080C>T (p.Pro1027Leu) has not been reported in the 1000 genomes and gnomAD databases. The in silico prediction of the variant are possibly damaging by PolyPhen-2 (HumDiv) and damaging. The reference codon is conserved across species. In summary, the variant meets our criteria to be classified as uncertain significance.